The following is an entry in ClinVar:

NM_020975.6(RET):c.1969A>T (p.Ile657Phe)

Gene: RET (ret proto-oncogene; plus strand). Cytogenetic location: 10q11.21.
Variant type: single nucleotide variant.
Coding change: c.1969A>T on transcript NM_020975.6 (MANE Select); coding-DNA position 1969, A replaced by T.
Protein change: p.Ile657Phe; replaces isoleucine 657 with phenylalanine.
Molecular consequence: missense variant.
Genome position (GRCh38, 1-based): chr10:43,114,569, A>T. VCF-style: chr10-43114569-A-T. GRCh37 (hg19) VCF-style: chr10-43610017-A-T.
Other names: c.1969A>T, p.Ile657Phe (NM_000323.2, NM_020629.2, NM_020630.7 and 4 more transcripts); c.1681A>T, p.Ile561Phe (NM_001406767.1, NM_001406770.1, NM_001406766.1); c.1573A>T, p.Ile525Phe (NM_001406769.1, NM_001406772.1); c.1531A>T, p.Ile511Phe (NM_001406771.1, NM_001406773.1); c.1444A>T, p.Ile482Phe (NM_001406774.1); c.1243A>T, p.Ile415Phe (NM_001406775.1, NM_001406776.1, NM_001406777.1 and 1 more transcripts); c.784A>T, p.Ile262Phe (NM_001406788.1, NM_001406789.1, NM_001406790.1); c.664A>T, p.Ile222Phe (NM_001406791.1); and 7 more; short protein forms I174F, I318F, I262F, I415F, I482F, I358F, I403F, I525F.
Identifiers: ClinVar variation 2006211 (VCV002006211.4), dbSNP rs2132847996, ClinGen allele CA376553039.

ClinVar aggregate classification (germline): Uncertain significance (1 of 4 stars; one submission).

Conditions:
Multiple endocrine neoplasia, type 2 (MEN2). Identifiers: Orphanet 653, MedGen C4048306, MONDO:0019003. Disease mechanism: gain of function.

Submission:

Labcorp Genetics (formerly Invitae), Labcorp
Classification: Uncertain significance for Multiple endocrine neoplasia, type 2. Last evaluated: 2022-06-14. Review status: criteria provided, single submitter. Criteria: Invitae Variant Classification Sherloc (09022015). Collection method: clinical testing. Allele origin: germline.
Comment: In summary, the available evidence is currently insufficient to determine the role of this variant in disease. Therefore, it has been classified as a Variant of Uncertain Significance. Algorithms developed to predict the effect of missense changes on protein structure and function are either unavailable or do not agree on the potential impact of this missense change (SIFT: "Deleterious"; PolyPhen-2: "Benign"; Align-GVGD: "Class C0"). This variant has not been reported in the literature in individuals affected with RET-related conditions. This variant is not present in population databases (gnomAD no frequency). This sequence change replaces isoleucine, which is neutral and non-polar, with phenylalanine, which is neutral and non-polar, at codon 657 of the RET protein (p.Ile657Phe).